The following is an entry in ClinVar:

ClinVar aggregate classification (germline): Uncertain significance (1 of 4 stars; one submission).

gnomAD v4.1: 8 of 1,613,902 alleles (0.0005%); highest among the groups gnomAD compares: Non-Finnish European, 0.00059%; no homozygotes.

Submission:

Labcorp Genetics (formerly Invitae), Labcorp
Classification: Uncertain significance. Last evaluated: 2024-03-21. Review status: criteria provided, single submitter. Criteria: Invitae Variant Classification Sherloc (09022015). Collection method: clinical testing. Allele origin: germline.
Comment: This sequence change replaces glycine, which is neutral and non-polar, with glutamic acid, which is acidic and polar, at codon 89 of the WHSC1 protein (p.Gly89Glu). This variant is present in population databases (rs772015827, gnomAD 0.003%). This variant has not been reported in the literature in individuals affected with WHSC1-related conditions. An algorithm developed to predict the effect of missense changes on protein structure and function (PolyPhen-2) suggests that this variant is likely to be disruptive. In summary, the available evidence is currently insufficient to determine the role of this variant in disease. Therefore, it has been classified as a Variant of Uncertain Significance.

NM_001042424.3(NSD2):c.266G>A (p.Gly89Glu)

Gene: NSD2 (nuclear receptor binding SET domain protein 2; plus strand). Cytogenetic location: 4p16.3.
Variant type: single nucleotide variant.
Coding change: c.266G>A on transcript NM_001042424.3 (MANE Select); coding-DNA position 266, G replaced by A.
Protein change: p.Gly89Glu; replaces glycine 89 with glutamic acid.
Molecular consequence: missense variant.
Genome position (GRCh38, 1-based): chr4:1,900,920, G>A. VCF-style: chr4-1900920-G-A. GRCh37 (hg19) VCF-style: chr4-1902647-G-A.
Other names: c.266G>A, p.Gly89Glu (NM_007331.2, NM_133330.3, NM_133331.3 and 2 more transcripts); short protein forms G89E.
Identifiers: ClinVar variation 3610062 (VCV003610062.2).
Genomic context (GRCh38, chr4:1,900,920, plus strand): 5'-ACGCCCTGCCCTTTATTCCAGCCGACAAGCTGAAAGATCTTACTTCCCGGGTGTTTAATG[G>A]AGAACCCGGCGCACACGATGCCAAACTGCGTTTTGAGTCCCAGGAAATGAAAGGGATTGG-3'
Protein context (NP_001035889.1, residues 79-99): LKDLTSRVFN[Gly89Glu]EPGAHDAKLR